The following is an entry in ClinVar:

NM_000719.7(CACNA1C):c.6118G>A (p.Val2040Ile)

Genes: CACNA1C (calcium voltage-gated channel subunit alpha1 C; plus strand), CACNA1C-AS1 (CACNA1C antisense RNA 1; minus strand). Cytogenetic location: 12p13.33.
Variant type: single nucleotide variant.
Coding change: c.6118G>A on transcript NM_000719.7 (MANE Select); coding-DNA position 6118, G replaced by A.
Protein change: p.Val2040Ile; replaces valine 2040 with isoleucine.
Molecular consequence: missense variant. On other transcripts: non-coding transcript variant (1).
Genome position (GRCh38, 1-based): chr12:2,690,900, G>A. VCF-style: chr12-2690900-G-A. GRCh37 (hg19) VCF-style: chr12-2800066-G-A.
Other names: c.6262G>A, p.Val2088Ile (NM_001129827.2); c.6241G>A, p.Val2081Ile (NM_001129829.2); c.6223G>A, p.Val2075Ile (NM_001129830.3, NM_001167624.3); c.6202G>A, p.Val2068Ile (NM_001129831.2); c.6178G>A, p.Val2060Ile (NM_001129832.2); c.6175G>A, p.Val2059Ile (NM_001129833.2, NM_001129834.2, NM_001129835.2); c.6169G>A, p.Val2057Ile (NM_001129836.2); c.6142G>A, p.Val2048Ile (NM_001129837.2, NM_001129838.2); and 6 more; short protein forms V2037I, V2046I, V2100I, V2040I, V2048I, V2057I, V2060I, V2075I.
Identifiers: ClinVar variation 2836563 (VCV002836563.3), dbSNP rs2097777994, ClinGen allele CA383386064.
Genomic context (GRCh38, chr12:2,690,900, plus strand): 5'-AGCTGGGCTCCAGGAGTAATGTTCCTTTGGTTCTTCATGGCTCCCACCCCGCTCCTTCAG[G>A]TCTTGATTTCAGAAGGACTGGGGCAGTTTGCTCAAGATCCCAAGTTCATCGAGGTCACCA-3'
Protein context (NP_000710.5, residues 2030-2050): HGSASSLVEA[Val2040Ile]LISEGLGQFA

ClinVar aggregate classification (germline): Uncertain significance (1 of 4 stars; one submission).

Conditions:
Long QT syndrome (LQTS). Identifiers: MedGen C0023976, MeSH D008133, MONDO:0002442. Disease mechanism: loss of function. Inheritance: Various modes of inheritance.

Submission:

Labcorp Genetics (formerly Invitae), Labcorp
Classification: Uncertain significance for Long QT syndrome. Last evaluated: 2023-02-13. Review status: criteria provided, single submitter. Criteria: Invitae Variant Classification Sherloc (09022015). Collection method: clinical testing. Allele origin: germline.
Comment: This sequence change replaces valine, which is neutral and non-polar, with isoleucine, which is neutral and non-polar, at codon 2040 of the CACNA1C protein (p.Val2040Ile). This variant is not present in population databases (gnomAD no frequency). This variant has not been reported in the literature in individuals affected with CACNA1C-related conditions. Algorithms developed to predict the effect of missense changes on protein structure and function are either unavailable or do not agree on the potential impact of this missense change (SIFT: "Tolerated"; PolyPhen-2: "Probably Damaging"; Align-GVGD: "Class C0"). In summary, the available evidence is currently insufficient to determine the role of this variant in disease. Therefore, it has been classified as a Variant of Uncertain Significance.